The following is an entry in ClinVar:

NM_001185.4(AZGP1):c.684C>T (p.Tyr228=)

Gene: AZGP1 (alpha-2-glycoprotein 1, zinc-binding; minus strand). Cytogenetic location: 7q22.1.
Variant type: single nucleotide variant.
Coding change: c.684C>T on transcript NM_001185.4 (MANE Select); coding-DNA position 684, C replaced by T.
Protein change: p.Tyr228=; no amino-acid change (tyrosine 228 retained).
Molecular consequence: synonymous variant.
Genome position (GRCh38, 1-based): chr7:99,967,216, G>A on the plus strand (C>T on the coding strand, the complement: AZGP1 is on the minus strand). VCF-style: chr7-99967216-G-A. GRCh37 (hg19) VCF-style: chr7-99564839-G-A.
Identifiers: ClinVar variation 2657728 (VCV002657728.24), dbSNP rs1023913171, ClinGen allele CA163175674.

ClinVar aggregate classification (germline): Likely benign (1 of 4 stars; one submission).

Allele frequency attached by ClinVar (database versions not stated): gnomAD exomes below 0.00001.
gnomAD v4.1: 2 of 1,613,788 alleles (0.00012%); highest among the groups gnomAD compares: South Asian, 0.0011%; no homozygotes.

Submission:

CeGaT Center for Human Genetics Tuebingen
Classification: Likely benign. Last evaluated: 2022-10-01. Review status: criteria provided, single submitter. Criteria: CeGaT Center For Human Genetics Tuebingen Variant Classification Criteria Version 2. Collection method: clinical testing. Allele origin: germline. Affected: yes. Observed: 1 variant allele.
Comment: AZGP1: BP4, BP7